The following is an entry in ClinVar:

ClinVar aggregate classification (germline): Uncertain significance. Review status: criteria provided, multiple submitters, no conflicts (2 of 4 stars). 2 submissions from 2 submitters: Uncertain significance (2). Last evaluated 2025-09-11.

Conditions:
Hereditary cancer-predisposing syndrome. Also called: Hereditary neoplastic syndrome; Hereditary Cancer Syndrome; Neoplastic Syndromes, Hereditary; Tumor predisposition. Identifiers: Orphanet 140162, MedGen C0027672, MeSH D009386, MONDO:0015356.
Ataxia-telangiectasia syndrome (AT). Also called: Cerebello-oculocutaneous telangiectasia; Immunodeficiency with ataxia telangiectasia; AT, COMPLEMENTATION GROUP C; Ataxia-telangiectasia, complementation group E; LOUIS-BAR SYNDROME; ATAXIA-TELANGIECTASIA, COMPLEMENTATION GROUP A. Identifiers: Orphanet 100, MedGen C0004135, MONDO:0008840, OMIM 208900.

Submissions (2):

Ambry Genetics
Classification: Uncertain significance for Hereditary cancer-predisposing syndrome. Last evaluated: 2025-09-11. Review status: criteria provided, single submitter. Criteria: Ambry Variant Classification Scheme 2023. Collection method: clinical testing. Allele origin: germline.
Comment: The p.L726V variant (also known as c.2176C>G), located in coding exon 13 of the ATM gene, results from a C to G substitution at nucleotide position 2176. The leucine at codon 726 is replaced by valine, an amino acid with highly similar properties. This amino acid position is conserved. In addition, the in silico prediction for this alteration is inconclusive. Based on the available evidence, the clinical significance of this variant remains unclear.

Labcorp Genetics (formerly Invitae), Labcorp
Classification: Uncertain significance for Ataxia-telangiectasia syndrome. Last evaluated: 2021-07-24. Review status: criteria provided, single submitter. Criteria: Invitae Variant Classification Sherloc (09022015). Collection method: clinical testing. Allele origin: germline.
Comment: In summary, the available evidence is currently insufficient to determine the role of this variant in disease. Therefore, it has been classified as a Variant of Uncertain Significance. Advanced modeling of protein sequence and biophysical properties (such as structural, functional, and spatial information, amino acid conservation, physicochemical variation, residue mobility, and thermodynamic stability) performed at Invitae indicates that this missense variant is not expected to disrupt ATM protein function. This variant has not been reported in the literature in individuals affected with ATM-related conditions. This variant is not present in population databases (ExAC no frequency). This sequence change replaces leucine with valine at codon 726 of the ATM protein (p.Leu726Val). The leucine residue is highly conserved and there is a small physicochemical difference between leucine and valine.

NM_000051.4(ATM):c.2176C>G (p.Leu726Val)

Gene: ATM (ATM serine/threonine kinase; plus strand). Cytogenetic location: 11q22.3.
Variant type: single nucleotide variant.
Coding change: c.2176C>G on transcript NM_000051.4 (MANE Select); coding-DNA position 2176, C replaced by G.
Protein change: p.Leu726Val; replaces leucine 726 with valine.
Molecular consequence: missense variant.
Genome position (GRCh38, 1-based): chr11:108,256,266, C>G. VCF-style: chr11-108256266-C-G. GRCh37 (hg19) VCF-style: chr11-108126993-C-G.
Other names: c.2176C>G (NM_000051.3); c.2176C>G, p.Leu726Val (NM_001351834.2); short protein forms L726V.
Identifiers: ClinVar variation 1369409 (VCV001369409.9), dbSNP rs775266056, ClinGen allele CA382538820.